The following is an entry in ClinVar:

NM_005262.3(GFER):c.62G>T (p.Gly21Val)

Genes: GFER (growth factor, augmenter of liver regeneration; plus strand), LOC130058203 (ATAC-STARR-seq lymphoblastoid silent region 7014; plus strand). Cytogenetic location: 16p13.3.
Variant type: single nucleotide variant.
Coding change: c.62G>T on transcript NM_005262.3 (MANE Select); coding-DNA position 62, G replaced by T.
Protein change: p.Gly21Val; replaces glycine 21 with valine.
Molecular consequence: missense variant.
Genome position (GRCh38, 1-based): chr16:1,984,280, G>T. VCF-style: chr16-1984280-G-T. GRCh37 (hg19) VCF-style: chr16-2034281-G-T.
Other names: short protein forms G21V.
Identifiers: ClinVar variation 4693269 (VCV004693269.1).

ClinVar aggregate classification (germline): Uncertain significance (1 of 4 stars; one submission).

Submission:

Labcorp Genetics (formerly Invitae), Labcorp
Classification: Uncertain significance. Last evaluated: 2025-08-07. Review status: criteria provided, single submitter. Criteria: Invitae Variant Classification Sherloc (09022015). Collection method: clinical testing. Allele origin: germline.
Comment: This sequence change replaces glycine, which is neutral and non-polar, with valine, which is neutral and non-polar, at codon 21 of the GFER protein (p.Gly21Val). This variant is present in population databases (no rsID available, gnomAD 0.01%). This variant has not been reported in the literature in individuals affected with GFER-related conditions. An algorithm developed to predict the effect of missense changes on protein structure and function (PolyPhen-2) suggests that this variant is likely to be disruptive. In summary, the available evidence is currently insufficient to determine the role of this variant in disease. Therefore, it has been classified as a Variant of Uncertain Significance.